The following is an entry in ClinVar:

NM_000038.6(APC):c.5997A>G (p.Pro1999=)

Gene: APC (APC regulator of Wnt signaling pathway; plus strand). Cytogenetic location: 5q22.2.
Variant type: single nucleotide variant.
Coding change: c.5997A>G on transcript NM_000038.6 (MANE Select); coding-DNA position 5997, A replaced by G.
Protein change: p.Pro1999=; no amino-acid change (proline 1999 retained).
Molecular consequence: synonymous variant. On other transcripts: non-coding transcript variant (2).
Genome position (GRCh38, 1-based): chr5:112,841,591, A>G. VCF-style: chr5-112841591-A-G. GRCh37 (hg19) VCF-style: chr5-112177288-A-G.
Other names: c.5997A>G, p.Pro1999= (NM_001127510.3, NM_001354895.2, NM_001407450.1); c.5943A>G, p.Pro1981= (NM_001127511.3); c.6051A>G, p.Pro2017= (NM_001354896.2, NM_001407447.1, NM_001407448.1 and 1 more transcripts); c.6027A>G, p.Pro2009= (NM_001354897.2); c.5922A>G, p.Pro1974= (NM_001354898.2); c.5913A>G, p.Pro1971= (NM_001354899.2); c.5874A>G, p.Pro1958= (NM_001354900.2); c.5820A>G, p.Pro1940= (NM_001354901.2, NM_001407453.1); and 11 more.
Identifiers: ClinVar variation 3254052 (VCV003254052.1), dbSNP rs1766109898.

ClinVar aggregate classification (germline): Benign (1 of 4 stars; one submission).

Conditions:
Familial adenomatous polyposis 1 (FAP1). Also called: FAMILIAL ADENOMATOUS POLYPOSIS 1, ATTENUATED; POLYPOSIS, ADENOMATOUS INTESTINAL. Identifiers: MedGen C2713442, MONDO:0021056, OMIM 175100. Disease mechanism: loss of function.

Submission:

Myriad Genetics, Inc.
Classification: Benign for Familial adenomatous polyposis 1. Last evaluated: 2024-04-03. Review status: criteria provided, single submitter. Criteria: Myriad Autosomal Dominant, Autosomal Recessive and X-Linked Classification Criteria (2023). Collection method: clinical testing. Allele origin: unknown.
Comment: This variant is considered benign. This variant is a silent/synonymous amino acid change and it is not expected to impact splicing.